The following is an entry in ClinVar:

NM_182961.4(SYNE1):c.4744T>A (p.Cys1582Ser)

Gene: SYNE1 (spectrin repeat containing nuclear envelope protein 1; minus strand). Cytogenetic location: 6q25.2.
Variant type: single nucleotide variant.
Coding change: c.4744T>A on transcript NM_182961.4 (MANE Select); coding-DNA position 4744, T replaced by A.
Protein change: p.Cys1582Ser; replaces cysteine 1582 with serine.
Molecular consequence: missense variant.
Genome position (GRCh38, 1-based): chr6:152,430,156, A>T on the plus strand (T>A on the coding strand, the complement: SYNE1 is on the minus strand). VCF-style: chr6-152430156-A-T. GRCh37 (hg19) VCF-style: chr6-152751291-A-T.
Other names: c.4765T>A, p.Cys1589Ser (NM_033071.5); short protein forms C1582S, C1589S.
Identifiers: ClinVar variation 501490 (VCV000501490.11), dbSNP rs1394715779, ClinGen allele CA366141418.
Genomic context (GRCh38, chr6:152,430,156, plus strand): 5'-TGAAGCATACTCTTACCATATGTTCTTGAAGAACTTTGTATGTTTCTGTAGCTGAAGAAC[A>T]TATTTTAATTGGAACAGCAAGTTTATCTTCAAATTCAGACACAGATTGCTGGATCTAAAA-3'
Protein context (NP_892006.3, residues 1572-1592): EDKLAVPIKI[Cys1582Ser]SSATETYKVL

ClinVar aggregate classification (germline): Uncertain significance. Review status: criteria provided, multiple submitters, no conflicts (2 of 4 stars). 2 submissions from 2 submitters: Uncertain significance (2). Last evaluated 2022-06-09.

Conditions:
Emery-Dreifuss muscular dystrophy 4, autosomal dominant (EDMD4). Also called: EMERY-DREIFUSS MUSCULAR DYSTROPHY 4 WITH VARIABLE FEATURES. Identifiers: Orphanet 261, MedGen C2751807, MONDO:0013071, OMIM 612998.
Autosomal recessive ataxia, Beauce type. Also called: SYNE1 Deficiency; Spinocerebellar ataxia, autosomal recessive 8; ATAXIA, RECESSIVE, OF BEAUCE; SYNE1-Related Autosomal Recessive Cerebellar Ataxia. Identifiers: Orphanet 88644, MedGen C1853116, MONDO:0012549, OMIM 610743.

Allele frequency attached by ClinVar (database versions not stated): gnomAD exomes below 0.00001.

Submissions (2):

Labcorp Genetics (formerly Invitae), Labcorp
Classification: Uncertain significance for Emery-Dreifuss muscular dystrophy 4, autosomal dominant; Autosomal recessive ataxia, Beauce type. Last evaluated: 2022-06-09. Review status: criteria provided, single submitter. Criteria: Invitae Variant Classification Sherloc (09022015). Collection method: clinical testing. Allele origin: germline.
Comment: In summary, the available evidence is currently insufficient to determine the role of this variant in disease. Therefore, it has been classified as a Variant of Uncertain Significance. Algorithms developed to predict the effect of missense changes on protein structure and function are either unavailable or do not agree on the potential impact of this missense change (SIFT: "Deleterious"; PolyPhen-2: "Possibly Damaging"; Align-GVGD: "Class C0"). ClinVar contains an entry for this variant (Variation ID: 501490). This variant has not been reported in the literature in individuals affected with SYNE1-related conditions. The frequency data for this variant in the population databases is considered unreliable, as metrics indicate poor data quality at this position in the gnomAD database. This sequence change replaces cysteine, which is neutral and slightly polar, with serine, which is neutral and polar, at codon 1589 of the SYNE1 protein (p.Cys1589Ser).

Eurofins Ntd Llc (ga)
Classification: Uncertain significance. Last evaluated: 2017-04-26. Review status: criteria provided, single submitter. Criteria: EGL Classification Definitions 2015. Collection method: clinical testing. Allele origin: germline. Observed: 1 variant allele, 1 heterozygote.